The following is an entry in ClinVar:

ClinVar aggregate classification (germline): Uncertain significance. Review status: criteria provided, single submitter (1 of 4 stars). 2 submissions from 2 submitters: Uncertain significance (1). 1 of the submissions does not count toward it. Last evaluated 2020-02-25.

Conditions:
Citrullinemia. Identifiers: Orphanet 187, MedGen C0175683, MONDO:0015991.
Citrullinemia type I (CTNL1). Also called: ASS DEFICIENCY; argininosuccinate synthetase deficiency. Identifiers: Orphanet 247525, MedGen C4721769, MONDO:0008988, OMIM 215700.

Submissions (2):

Labcorp Genetics (formerly Invitae), Labcorp
Classification: Uncertain significance for Citrullinemia. Last evaluated: 2020-02-25. Review status: criteria provided, single submitter. Criteria: Invitae Variant Classification Sherloc (09022015). Collection method: clinical testing. Allele origin: germline.
Comment: In summary, the available evidence is currently insufficient to determine the role of this variant in disease. Therefore, it has been classified as a Variant of Uncertain Significance. Algorithms developed to predict the effect of missense changes on protein structure and function are either unavailable or do not agree on the potential impact of this missense change (SIFT: "Deleterious"; PolyPhen-2: "Benign"; Align-GVGD: "Class C35"). This variant has been observed in individual(s) with citrullinemia (Invitae). In at least one individual the data is consistent with the variant being in trans (on the opposite chromosome) from a pathogenic variant. This variant is not present in population databases (ExAC no frequency). This sequence change replaces isoleucine with serine at codon 105 of the ASS1 protein (p.Ile105Ser). The isoleucine residue is highly conserved and there is a large physicochemical difference between isoleucine and serine.

Natera, Inc.
Classification: Uncertain significance for Citrullinemia type I. Last evaluated: 2020-02-06. Review status: no assertion criteria provided. Collection method: clinical testing. Allele origin: germline. Not counted in ClinVar's aggregate classification.

NM_054012.4(ASS1):c.314T>G (p.Ile105Ser)

Gene: ASS1 (argininosuccinate synthase 1; plus strand). Cytogenetic location: 9q34.11.
Variant type: single nucleotide variant.
Coding change: c.314T>G on transcript NM_054012.4 (MANE Select); coding-DNA position 314, T replaced by G.
Protein change: p.Ile105Ser; replaces isoleucine 105 with serine.
Molecular consequence: missense variant.
Genome position (GRCh38, 1-based): chr9:130,458,540, T>G. VCF-style: chr9-130458540-T-G. GRCh37 (hg19) VCF-style: chr9-133333927-T-G.
Other names: c.314T>G, p.Ile105Ser (NM_000050.4); short protein forms I105S.
Identifiers: ClinVar variation 844619 (VCV000844619.11), dbSNP rs1845505181, ClinGen allele CA375225273.
Genomic context (GRCh38, chr9:130,458,540, plus strand): 5'-ACCGCTACCTCCTGGGCACCTCTCTTGCCAGGCCCTGCATCGCCCGCAAACAAGTGGAAA[T>G]CGCCCAGCGGGAGGGGGCCAAGTATGTGTCCCACGGCGCCACAGGAAAGGTGAGGCACCT-3'
Protein context (NP_446464.1, residues 95-115): RPCIARKQVE[Ile105Ser]AQREGAKYVS